The following is an entry in ClinVar:

NM_014319.5(LEMD3):c.921G>C (p.Glu307Asp)

Gene: LEMD3 (LEM domain containing 3; plus strand). Cytogenetic location: 12q14.3.
Variant type: single nucleotide variant.
Coding change: c.921G>C on transcript NM_014319.5 (MANE Select); coding-DNA position 921, G replaced by C.
Protein change: p.Glu307Asp; replaces glutamic acid 307 with aspartic acid.
Molecular consequence: missense variant.
Genome position (GRCh38, 1-based): chr12:65,170,517, G>C. VCF-style: chr12-65170517-G-C. GRCh37 (hg19) VCF-style: chr12-65564297-G-C.
Other names: c.921G>C, p.Glu307Asp (NM_001167614.2); short protein forms E307D.
Identifiers: ClinVar variation 2963944 (VCV002963944.3), dbSNP rs1441023575, ClinGen allele CA385674420.
Genomic context (GRCh38, chr12:65,170,517, plus strand): 5'-ACGAACCCATAGTAAGCCTCTCCCCCCGCTGACTGCTAAATCGGCCGGCGGCAGGCTGGA[G>C]ACTTCAGTTCAGGGAGGGGGAGGACTCGCGATGAATGACAGGGCGGCGGCTGCCGGGAGT-3'
Protein context (NP_055134.2, residues 297-317): LTAKSAGGRL[Glu307Asp]TSVQGGGGLA

ClinVar aggregate classification (germline): Uncertain significance (1 of 4 stars; one submission).

Allele frequency attached by ClinVar (database versions not stated): gnomAD exomes 0.00002; TOPMed 0.00005; gnomAD 0.00011.
gnomAD v4.1: 27 of 1,614,030 alleles (0.0017%); highest among the groups gnomAD compares: Admixed American, 0.042%; no homozygotes.

Submission:

Labcorp Genetics (formerly Invitae), Labcorp
Classification: Uncertain significance. Last evaluated: 2023-12-27. Review status: criteria provided, single submitter. Criteria: Invitae Variant Classification Sherloc (09022015). Collection method: clinical testing. Allele origin: germline.
Comment: This sequence change replaces glutamic acid, which is acidic and polar, with aspartic acid, which is acidic and polar, at codon 307 of the LEMD3 protein (p.Glu307Asp). This variant is present in population databases (no rsID available, gnomAD 0.03%). This variant has not been reported in the literature in individuals affected with LEMD3-related conditions. Advanced modeling of protein sequence and biophysical properties (such as structural, functional, and spatial information, amino acid conservation, physicochemical variation, residue mobility, and thermodynamic stability) performed at Invitae indicates that this missense variant is not expected to disrupt LEMD3 protein function with a negative predictive value of 80%. In summary, the available evidence is currently insufficient to determine the role of this variant in disease. Therefore, it has been classified as a Variant of Uncertain Significance.